The following is an entry in ClinVar:

NM_033026.6(PCLO):c.6799T>G (p.Ser2267Ala)

Gene: PCLO (piccolo presynaptic cytomatrix protein; minus strand). Cytogenetic location: 7q21.11.
Variant type: single nucleotide variant.
Coding change: c.6799T>G on transcript NM_033026.6 (MANE Select); coding-DNA position 6799, T replaced by G.
Protein change: p.Ser2267Ala; replaces serine 2267 with alanine.
Molecular consequence: missense variant.
Genome position (GRCh38, 1-based): chr7:82,954,154, A>C on the plus strand (T>G on the coding strand, the complement: PCLO is on the minus strand). VCF-style: chr7-82954154-A-C. GRCh37 (hg19) VCF-style: chr7-82583470-A-C.
Other names: c.6799T>G, p.Ser2267Ala (NM_014510.3); short protein forms S2267A.
Identifiers: ClinVar variation 1499484 (VCV001499484.7), dbSNP rs968726698, ClinGen allele CA161147091.

ClinVar aggregate classification (germline): Uncertain significance (1 of 4 stars; one submission).

Allele frequency attached by ClinVar (database versions not stated): TOPMed 0.00001.

Submission:

Labcorp Genetics (formerly Invitae), Labcorp
Classification: Uncertain significance. Last evaluated: 2024-11-11. Review status: criteria provided, single submitter. Criteria: Invitae Variant Classification Sherloc (09022015). Collection method: clinical testing. Allele origin: germline.
Comment: This sequence change replaces serine, which is neutral and polar, with alanine, which is neutral and non-polar, at codon 2267 of the PCLO protein (p.Ser2267Ala). This variant is not present in population databases (gnomAD no frequency). This variant has not been reported in the literature in individuals affected with PCLO-related conditions. ClinVar contains an entry for this variant (Variation ID: 1499484). Experimental studies and prediction algorithms are not available or were not evaluated, and the functional significance of this variant is currently unknown. In summary, the available evidence is currently insufficient to determine the role of this variant in disease. Therefore, it has been classified as a Variant of Uncertain Significance.